The following is an entry in ClinVar:

NM_152281.3(GORAB):c.79C>T (p.Arg27Ter)

Gene: GORAB (golgin, RAB6 interacting; plus strand). Cytogenetic location: 1q24.2.
Variant type: single nucleotide variant.
Coding change: c.79C>T on transcript NM_152281.3 (MANE Select); coding-DNA position 79, C replaced by T.
Protein change: p.Arg27Ter; replaces arginine 27 with a stop codon.
Molecular consequence: nonsense. On other transcripts: 5 prime UTR variant (1), non-coding transcript variant (1).
Genome position (GRCh38, 1-based): chr1:170,539,227, C>T. VCF-style: chr1-170539227-C-T. GRCh37 (hg19) VCF-style: chr1-170508368-C-T.
Other names: c.79C>T, p.Arg27Ter (NM_001146039.2); c.-387C>T (NM_001320252.2); short protein forms R27*.
Identifiers: ClinVar variation 1360242 (VCV001360242.6), dbSNP rs770355472, ClinGen allele CA1239034.

ClinVar aggregate classification (germline): Pathogenic (1 of 4 stars; one submission).

gnomAD v4.1: 15 of 1,613,934 alleles (0.00093%); highest among the groups gnomAD compares: Admixed American, 0.005%; no homozygotes.

Submission:

Labcorp Genetics (formerly Invitae), Labcorp
Classification: Pathogenic. Last evaluated: 2025-02-10. Review status: criteria provided, single submitter. Criteria: Invitae Variant Classification Sherloc (09022015). Collection method: clinical testing. Allele origin: germline.
Comment: This sequence change creates a premature translational stop signal (p.Arg52*) in the GORAB gene. It is expected to result in an absent or disrupted protein product. Loss-of-function variants in GORAB are known to be pathogenic (PMID: 18997784, 19681135). This variant is present in population databases (rs770355472, gnomAD 0.007%). This variant has not been reported in the literature in individuals affected with GORAB-related conditions. ClinVar contains an entry for this variant (Variation ID: 1360242). For these reasons, this variant has been classified as Pathogenic.

Literature cited by the submitters: PubMed 18997784; PubMed 19681135.